The following is an entry in ClinVar:

NM_030967.3(KRTAP1-1):c.231A>G (p.Glu77=)

Gene: KRTAP1-1 (keratin associated protein 1-1; minus strand). Cytogenetic location: 17q21.2.
Variant type: single nucleotide variant.
Coding change: c.231A>G on transcript NM_030967.3 (MANE Select); coding-DNA position 231, A replaced by G.
Protein change: p.Glu77=; no amino-acid change (glutamic acid 77 retained).
Molecular consequence: synonymous variant.
Genome position (GRCh38, 1-based): chr17:41,041,167, T>C on the plus strand (A>G on the coding strand, the complement: KRTAP1-1 is on the minus strand). VCF-style: chr17-41041167-T-C. GRCh37 (hg19) VCF-style: chr17-39197419-T-C.
Identifiers: ClinVar variation 4083611 (VCV004083611.8).

ClinVar aggregate classification (germline): Likely benign (1 of 4 stars; one submission).

Submission:

CeGaT Center for Human Genetics Tuebingen
Classification: Likely benign. Last evaluated: 2025-08-01. Review status: criteria provided, single submitter. Criteria: CeGaT Center For Human Genetics Tuebingen Variant Classification Criteria Version 2. Collection method: clinical testing. Allele origin: germline. Affected: yes. Observed: 1 variant allele.
Comment: KRTAP1-1: BP4, BP7